The following is an entry in ClinVar:

NM_000372.5(TYR):c.1184+1G>C

Gene: TYR (tyrosinase; plus strand). Cytogenetic location: 11q14.3.
Variant type: single nucleotide variant.
Coding change: c.1184+1G>C on transcript NM_000372.5 (MANE Select); the canonical splice donor site of the intron after coding-DNA position 1184, G replaced by C.
Molecular consequence: splice donor variant.
Genome position (GRCh38, 1-based): chr11:89,227,971, G>C. VCF-style: chr11-89227971-G-C. GRCh37 (hg19) VCF-style: chr11-88961139-G-C.
Identifiers: ClinVar variation 2832923 (VCV002832923.3), dbSNP rs2496619051, ClinGen allele CA382029141.
Genomic context (GRCh38, chr11:89,227,971, plus strand): 5'-CCAGGTACAGGGATCTGCCAACGATCCTATCTTCCTTCTTCACCATGCATTTGTTGACAG[G>C]TTGGTTAATATTTCTTTATAAATAACGTGCTCATTGGATTTAAATAGAGGGTGCCTATCA-3'

ClinVar aggregate classification (germline): Pathogenic (1 of 4 stars; one submission).

gnomAD v4.1: 3 of 1,613,074 alleles (0.00019%); highest among the groups gnomAD compares: Non-Finnish European, 0.00017%; no homozygotes.

Submission:

Labcorp Genetics (formerly Invitae), Labcorp
Classification: Pathogenic. Last evaluated: 2023-09-27. Review status: criteria provided, single submitter. Criteria: Invitae Variant Classification Sherloc (09022015). Collection method: clinical testing. Allele origin: germline.
Comment: Disruption of this splice site has been observed in individual(s) with oculocutaneous albinism type 1A (PMID: 25577957). In at least one individual the data is consistent with being in trans (on the opposite chromosome) from a pathogenic variant. Algorithms developed to predict the effect of sequence changes on RNA splicing suggest that this variant may disrupt the consensus splice site. For these reasons, this variant has been classified as Pathogenic. This variant is not present in population databases (gnomAD no frequency). This sequence change affects a donor splice site in intron 3 of the TYR gene. It is expected to disrupt RNA splicing. Variants that disrupt the donor or acceptor splice site typically lead to a loss of protein function (PMID: 16199547), and loss-of-function variants in TYR are known to be pathogenic (PMID: 23504663).

Literature cited by the submitters: PubMed 25577957; PubMed 16199547; PubMed 23504663.